The following is an entry in ClinVar:

ClinVar aggregate classification (germline): Uncertain significance (1 of 4 stars; one submission).

Conditions:
Perlman syndrome (PRLMNS). Identifiers: Orphanet 2849, MedGen C0796113, MONDO:0009965, OMIM 267000.

Submission:

Labcorp Genetics (formerly Invitae), Labcorp
Classification: Uncertain significance for Perlman syndrome. Last evaluated: 2022-06-23. Review status: criteria provided, single submitter. Criteria: Invitae Variant Classification Sherloc (09022015). Collection method: clinical testing. Allele origin: germline.
Comment: Algorithms developed to predict the effect of missense changes on protein structure and function (SIFT, PolyPhen-2, Align-GVGD) all suggest that this variant is likely to be tolerated. This sequence change replaces asparagine, which is neutral and polar, with isoleucine, which is neutral and non-polar, at codon 258 of the DIS3L2 protein (p.Asn258Ile). This variant is not present in population databases (gnomAD no frequency). This variant has not been reported in the literature in individuals affected with DIS3L2-related conditions. In summary, the available evidence is currently insufficient to determine the role of this variant in disease. Therefore, it has been classified as a Variant of Uncertain Significance.

NM_152383.5(DIS3L2):c.773A>T (p.Asn258Ile)

Gene: DIS3L2 (DIS3 like 3'-5' exoribonuclease 2; plus strand). Cytogenetic location: 2q37.1.
Variant type: single nucleotide variant.
Coding change: c.773A>T on transcript NM_152383.5 (MANE Select); coding-DNA position 773, A replaced by T.
Protein change: p.Asn258Ile; replaces asparagine 258 with isoleucine.
Molecular consequence: missense variant. On other transcripts: non-coding transcript variant (1).
Genome position (GRCh38, 1-based): chr2:232,136,542, A>T. VCF-style: chr2-232136542-A-T. GRCh37 (hg19) VCF-style: chr2-233001252-A-T.
Other names: c.773A>T, p.Asn258Ile (NM_001257281.2); short protein forms N258I.
Identifiers: ClinVar variation 2039705 (VCV002039705.4), dbSNP rs2469848369, ClinGen allele CA351153559.